The following is an entry in ClinVar:

NM_015404.4(WHRN):c.1879C>T (p.Arg627Cys)

Gene: WHRN (whirlin; minus strand). Cytogenetic location: 9q32.
Variant type: single nucleotide variant.
Coding change: c.1879C>T on transcript NM_015404.4 (MANE Select); coding-DNA position 1879, C replaced by T.
Protein change: p.Arg627Cys; replaces arginine 627 with cysteine.
Molecular consequence: missense variant.
Genome position (GRCh38, 1-based): chr9:114,406,712, G>A on the plus strand (C>T on the coding strand, the complement: WHRN is on the minus strand). VCF-style: chr9-114406712-G-A. GRCh37 (hg19) VCF-style: chr9-117168992-G-A.
Other names: c.730C>T, p.Arg244Cys (NM_001083885.3); c.1879C>T, p.Arg627Cys (NM_001173425.2); c.826C>T, p.Arg276Cys (NM_001346890.1); c.1879C>T (NM_015404.2); short protein forms R627C, R276C, R244C.
Identifiers: ClinVar variation 970478 (VCV000970478.10), dbSNP rs373652923, ClinGen allele CA5205792.

ClinVar aggregate classification (germline): Uncertain significance. Review status: criteria provided, multiple submitters, no conflicts (2 of 4 stars). 3 submissions from 3 submitters: Uncertain significance (3). Last evaluated 2025-10-22.

Allele frequency attached by ClinVar (database versions not stated): gnomAD exomes 0.00007 and 0.00009; gnomAD 0.00005 and 0.00006; ESP Exome Variant Server 0.00008; TOPMed 0.00005; 1000 Genomes Project 0.00020; ExAC 0.00007; 1000 Genomes Project 30x 0.00016.
gnomAD v4.1: 146 of 1,614,100 alleles (0.009%); highest among the groups gnomAD compares: Admixed American, 0.01%; no homozygotes.

Submissions (3):

Labcorp Genetics (formerly Invitae), Labcorp
Classification: Uncertain significance. Last evaluated: 2025-10-22. Review status: criteria provided, single submitter. Criteria: Invitae Variant Classification Sherloc (09022015). Collection method: clinical testing. Allele origin: germline.
Comment: This sequence change replaces arginine, which is basic and polar, with cysteine, which is neutral and slightly polar, at codon 627 of the WHRN protein (p.Arg627Cys). This variant is present in population databases (rs373652923, gnomAD 0.01%). This variant has not been reported in the literature in individuals affected with WHRN-related conditions. ClinVar contains an entry for this variant (Variation ID: 970478). An algorithm developed to predict the effect of missense changes on protein structure and function outputs the following: PolyPhen-2: "Benign". The cysteine amino acid residue is found in multiple mammalian species, which suggests that this missense change does not adversely affect protein function. In summary, the available evidence is currently insufficient to determine the role of this variant in disease. Therefore, it has been classified as a Variant of Uncertain Significance.

GeneDx
Classification: Uncertain significance. Last evaluated: 2024-07-18. Review status: criteria provided, single submitter. Criteria: GeneDx Variant Classification Process June 2021. Collection method: clinical testing. Allele origin: germline. Affected: yes.
Comment: In silico analysis indicates that this missense variant does not alter protein structure/function; Has not been previously published as pathogenic or benign to our knowledge

Blueprint Genetics
Classification: Uncertain significance. Last evaluated: 2024-07-12. Review status: criteria provided, single submitter. Criteria: ACMG Guidelines, 2015. Collection method: clinical testing. Allele origin: germline.